The following is an entry in ClinVar:

ClinVar aggregate classification (germline): Uncertain significance (1 of 4 stars; one submission).

Allele frequency attached by ClinVar (database versions not stated): gnomAD exomes below 0.00001.
gnomAD v4.1: 1 of 1,614,062 alleles (0.000062%); highest among the groups gnomAD compares: Non-Finnish European, 0.000085%; no homozygotes.

Submission:

Labcorp Genetics (formerly Invitae), Labcorp
Classification: Uncertain significance. Last evaluated: 2022-08-09. Review status: criteria provided, single submitter. Criteria: Invitae Variant Classification Sherloc (09022015). Collection method: clinical testing. Allele origin: germline.
Comment: In summary, the available evidence is currently insufficient to determine the role of this variant in disease. Therefore, it has been classified as a Variant of Uncertain Significance. Advanced modeling of protein sequence and biophysical properties (such as structural, functional, and spatial information, amino acid conservation, physicochemical variation, residue mobility, and thermodynamic stability) performed at Invitae indicates that this missense variant is not expected to disrupt LRP2 protein function. ClinVar contains an entry for this variant (Variation ID: 1369347). This variant has not been reported in the literature in individuals affected with LRP2-related conditions. This variant is not present in population databases (gnomAD no frequency). This sequence change replaces alanine, which is neutral and non-polar, with valine, which is neutral and non-polar, at codon 1705 of the LRP2 protein (p.Ala1705Val).

NM_004525.3(LRP2):c.5114C>T (p.Ala1705Val)

Gene: LRP2 (LDL receptor related protein 2; minus strand). Cytogenetic location: 2q31.1.
Variant type: single nucleotide variant.
Coding change: c.5114C>T on transcript NM_004525.3 (MANE Select); coding-DNA position 5114, C replaced by T.
Protein change: p.Ala1705Val; replaces alanine 1705 with valine.
Molecular consequence: missense variant.
Genome position (GRCh38, 1-based): chr2:169,231,827, G>A on the plus strand (C>T on the coding strand, the complement: LRP2 is on the minus strand). VCF-style: chr2-169231827-G-A. GRCh37 (hg19) VCF-style: chr2-170088337-G-A.
Other names: short protein forms A1705V.
Identifiers: ClinVar variation 1369347 (VCV001369347.6), dbSNP rs2105369111, ClinGen allele CA349140718.